The following is an entry in ClinVar:

ClinVar aggregate classification (germline): Benign/Likely benign. Review status: criteria provided, multiple submitters, no conflicts (2 of 4 stars). 4 submissions from 4 submitters: Benign (1); Likely benign (3). Last evaluated 2026-01-26.

Conditions:
Nephronophthisis 9 (NPHP9). Identifiers: Orphanet 655, MedGen C3151188, MONDO:0013444, OMIM 613824.

Allele frequency attached by ClinVar (database versions not stated): ESP Exome Variant Server 0.00008; gnomAD 0.00024 and 0.00040; gnomAD exomes 0.00044 and 0.00086; TOPMed 0.00060; ExAC 0.00092; 1000 Genomes Project 30x 0.00203; 1000 Genomes Project 0.00240.
gnomAD v4.1: 706 of 1,614,102 alleles (0.044%); highest among the groups gnomAD compares: East Asian, 1.3%; 5 homozygotes.

Submissions (4):

Labcorp Genetics (formerly Invitae), Labcorp
Classification: Benign for Nephronophthisis 9. Last evaluated: 2026-01-26. Review status: criteria provided, single submitter. Criteria: Invitae Variant Classification Sherloc (09022015). Collection method: clinical testing. Allele origin: germline.

CeGaT Center for Human Genetics Tuebingen
Classification: Likely benign. Last evaluated: 2025-04-01. Review status: criteria provided, single submitter. Criteria: CeGaT Center For Human Genetics Tuebingen Variant Classification Criteria Version 2. Collection method: clinical testing. Allele origin: germline. Affected: yes. Observed: 1 variant allele.
Comment: NEK8: BP4, BP7, BS1

Blueprint Genetics
Classification: Likely benign. Last evaluated: 2024-11-06. Review status: criteria provided, single submitter. Criteria: ACMG Guidelines, 2015. Collection method: clinical testing. Allele origin: germline.

Illumina Laboratory Services, Illumina
Classification: Likely benign for Nephronophthisis 9. Last evaluated: 2018-01-12. Review status: criteria provided, single submitter. Criteria: ICSL Variant Classification Criteria 13 December 2019. Collection method: clinical testing. Allele origin: germline.
Comment: This variant was observed in the ICSL laboratory as part of a predisposition screen in an ostensibly healthy population. It had not been previously curated by ICSL or reported in the Human Gene Mutation Database (HGMD: prior to June 1st, 2018), and was therefore a candidate for classification through an automated scoring system. Utilizing variant allele frequency, disease prevalence and penetrance estimates, and inheritance mode, an automated score was calculated to assess if this variant is too frequent to cause the disease. Based on the score and internal cut-off values, a variant classified as likely benign is not then subjected to further curation. The score for this variant resulted in a classification of likely benign for this disease.

NM_178170.3(NEK8):c.1938A>C (p.Gly646=)

Gene: NEK8 (NIMA related kinase 8; plus strand). Cytogenetic location: 17q11.2.
Variant type: single nucleotide variant.
Coding change: c.1938A>C on transcript NM_178170.3 (MANE Select); coding-DNA position 1938, A replaced by C.
Protein change: p.Gly646=; no amino-acid change (glycine 646 retained).
Molecular consequence: synonymous variant.
Genome position (GRCh38, 1-based): chr17:28,741,459, A>C. VCF-style: chr17-28741459-A-C. GRCh37 (hg19) VCF-style: chr17-27068477-A-C.
Identifiers: ClinVar variation 322486 (VCV000322486.24), dbSNP rs138629865, ClinGen allele CA8467598.